The following is an entry in ClinVar:

NM_000548.5(TSC2):c.570C>T (p.Tyr190=)

Gene: TSC2 (TSC complex subunit 2; plus strand). Cytogenetic location: 16p13.3.
Variant type: single nucleotide variant.
Coding change: c.570C>T on transcript NM_000548.5 (MANE Select); coding-DNA position 570, C replaced by T.
Protein change: p.Tyr190=; no amino-acid change (tyrosine 190 retained).
Molecular consequence: synonymous variant. On other transcripts: intron variant (1).
Genome position (GRCh38, 1-based): chr16:2,055,490, C>T. VCF-style: chr16-2055490-C-T. GRCh37 (hg19) VCF-style: chr16-2105491-C-T.
Other names: c.570C>T, p.Tyr190= (NM_001077183.3, NM_001114382.3, NM_001363528.2 and 3 more transcripts); c.459C>T, p.Tyr153= (NM_001318827.2); c.423C>T, p.Tyr141= (NM_001318829.2); c.603C>T, p.Tyr201= (NM_001318832.2); c.-1-706C>T (NM_001318831.2).
Identifiers: ClinVar variation 1103802 (VCV001103802.10), dbSNP rs397515099, ClinGen allele CA276772032.

ClinVar aggregate classification (germline): Benign/Likely benign. Review status: criteria provided, multiple submitters, no conflicts (2 of 4 stars). 2 submissions from 2 submitters: Benign (1); Likely benign (1). Last evaluated 2025-05-07.

Conditions:
Tuberous sclerosis 2 (TSC2). Identifiers: Orphanet 805, MedGen C1860707, MONDO:0013199, OMIM 613254.

Submissions (2):

Myriad Genetics, Inc.
Classification: Benign for Tuberous sclerosis 2. Last evaluated: 2025-05-07. Review status: criteria provided, single submitter. Criteria: Myriad Autosomal Dominant, Autosomal Recessive and X-Linked Classification Criteria (2023). Collection method: clinical testing. Allele origin: unknown.
Comment: This variant is considered benign. This variant is a silent/synonymous amino acid change and it is not expected to impact splicing.

Labcorp Genetics (formerly Invitae), Labcorp
Classification: Likely benign for Tuberous sclerosis 2. Last evaluated: 2022-11-01. Review status: criteria provided, single submitter. Criteria: Invitae Variant Classification Sherloc (09022015). Collection method: clinical testing. Allele origin: germline.